The following is an entry in ClinVar:

ClinVar aggregate classification (germline): Pathogenic/Likely pathogenic. Review status: criteria provided, multiple submitters, no conflicts (2 of 4 stars). 6 submissions from 6 submitters: Pathogenic (4); Likely pathogenic (1). 1 of the submissions does not count toward it. Last evaluated 2026-01-22.

Conditions:
Glutamate formiminotransferase deficiency. Also called: Arakawa syndrome 1; Formiminoglutamic aciduria. Identifiers: Orphanet 51208, MedGen C0268609, MONDO:0009240, OMIM 229100.

Allele frequency attached by ClinVar (database versions not stated): gnomAD 0.00116 and 0.00113; 1000 Genomes Project 0.00120; ESP Exome Variant Server 0.00138; TOPMed 0.00133; ExAC 0.00040; 1000 Genomes Project 30x 0.00156.
gnomAD v4.1: 310 of 1,613,420 alleles (0.019%); highest among the groups gnomAD compares: African/African-American, 0.38%; no homozygotes.

Submissions (6):

Labcorp Genetics (formerly Invitae), Labcorp
Classification: Pathogenic for Glutamate formiminotransferase deficiency. Last evaluated: 2026-01-22. Review status: criteria provided, single submitter. Criteria: Invitae Variant Classification Sherloc (09022015). Collection method: clinical testing. Allele origin: germline.
Comment: This sequence change creates a premature translational stop signal (p.Leu536*) in the FTCD gene. While this is not anticipated to result in nonsense mediated decay, it is expected to disrupt the last 6 amino acid(s) of the FTCD protein. This variant is present in population databases (rs149266909, gnomAD 0.4%). This premature translational stop signal has been observed in individuals with glutamate formiminotransferase deficiency (PMID: 29178637, 30740726). ClinVar contains an entry for this variant (Variation ID: 194395). Algorithms developed to predict the effect of sequence changes on RNA splicing suggest that this variant may disrupt the consensus splice site. For these reasons, this variant has been classified as Pathogenic.

Dasa
Classification: Pathogenic. Last evaluated: 2025-05-26. Review status: criteria provided, single submitter. Criteria: DASA Assertion Criteria. Collection method: clinical testing. Allele origin: germline.
Comment: NM_206965.2(FTCD):c.1607T>A (p.Leu536*) introduces a premature termination codon predicted to result in loss of normal protein function. Loss-of-function is an established mechanism of disease for this gene. This variant has been recurrently observed in affected individuals with related phenotype in a genotype context consistent with recessive disease (PMID: 29178637; PMID: 30740726). The variant is present at low frequency in population datasets. Based on the available data, this variant is classified as pathogenic.

Women's Health and Genetics/Laboratory Corporation of America, LabCorp
Classification: Pathogenic for Glutamate formiminotransferase deficiency. Last evaluated: 2024-12-20. Review status: criteria provided, single submitter. Criteria: LabCorp Variant Classification Summary - May 2015. Collection method: clinical testing. Allele origin: germline.
Comment: Variant summary: FTCD c.1607T>A (p.Leu536X) results in a premature termination codon, predicted to cause a truncation of the encoded protein or absence of the protein, which are commonly known mechanisms for disease. The variant allele was found at a frequency of 0.00029 in 247992 control chromosomes in the gnomAD database. This frequency is not significantly higher than estimated for a pathogenic variant in FTCD causing Glutamate Formiminotransferase Deficiency, allowing no conclusion about variant significance. c.1607T>A has been reported in the literature in multiple individuals affected with Glutamate Formiminotransferase Deficiency (examples: Majumdar_2017, Ahrens-Nicklas_2019). These data indicate that the variant is very likely to be associated with disease. The following publications have been ascertained in the context of this evaluation (PMID: 30740726, 31589614, 29178637). ClinVar contains an entry for this variant (Variation ID: 194395). Based on the evidence outlined above, the variant was classified as pathogenic.

Laboratory for Molecular Medicine, Mass General Brigham Personalized Medicine
Classification: Likely pathogenic for Glutamate formiminotransferase deficiency. Last evaluated: 2024-03-28. Review status: criteria provided, single submitter. Criteria: ACMG Guidelines, 2015. Collection method: clinical testing. Allele origin: germline. Inheritance: Autosomal recessive inheritance.
Comment: The p.Leu536X variant in FTCD has been reported in 5 compound heterozygous and 1 homozygous individuals with formiminoglutamic aciduria (Majumdar 2017 PMID: 29178637, Ahrens-Nicklas 2019 PMID: 30740726). In 4 compound heterozygotes, the p.Leu536X variant was reported along with another disease-causing variant in FTCD, and these variants have been confirmed in trans in at least 1 individual. This variant has also been reported by other clinical laboratories in ClinVar (Variation ID 194395) and has been identified in 0.38% (286/75034) of African/African American chromosomes by gnomAD (v.4.0.0), which is consistent with a recessive carrier frequency and the clinical manifestations of the disease. This nonsense variant leads to a premature termination codon at position 536. This alteration occurs within the last exon and is, therefore, likely to escape nonsense mediated decay (NMD) and result in a truncated protein that is missing the last 6 amino acids of the coding region. In summary, although additional studies are required to fully establish its clinical significance, this variant meets criteria to be classified as likely pathogenic for autosomal recessive formiminoglutamic aciduria. ACMG/AMP Criteria applied: PM3_Strong, PVS1_Moderate.

Eurofins Ntd Llc (ga)
Classification: Pathogenic. Last evaluated: 2018-04-30. Review status: criteria provided, single submitter. Criteria: EGL ClinVar v180209 classification definitions. Collection method: clinical testing. Allele origin: germline. Observed: 3 variant alleles, 1 heterozygote, 2 homozygotes.

OMIM
Classification: Pathogenic for GLUTAMATE FORMIMINOTRANSFERASE DEFICIENCY. Last evaluated: 2020-07-04. Review status: no assertion criteria provided. Collection method: literature only. Allele origin: germline. Not counted in ClinVar's aggregate classification.

Literature cited by the submitters: PubMed 29178637 (cited by 5 submitters); PubMed 30740726 (cited by 4 submitters); PubMed 31589614 (cited by Women's Health and Genetics/Laboratory Corporation of America, LabCorp).

NM_206965.2(FTCD):c.1607T>A (p.Leu536Ter)

Gene: FTCD (formimidoyltransferase cyclodeaminase; minus strand). Cytogenetic location: 21q22.3.
Variant type: single nucleotide variant.
Coding change: c.1607T>A on transcript NM_206965.2 (MANE Select); coding-DNA position 1607, T replaced by A.
Protein change: p.Leu536Ter; replaces leucine 536 with a stop codon.
Molecular consequence: nonsense. On other transcripts: synonymous variant (1).
Genome position (GRCh38, 1-based): chr21:46,137,006, A>T on the plus strand (T>A on the coding strand, the complement: FTCD is on the minus strand). VCF-style: chr21-46137006-A-T. GRCh37 (hg19) VCF-style: chr21-47556920-A-T.
Other names: c.1587T>A, p.Leu529= (NM_001320412.2); c.1607T>A, p.Leu536Ter (NM_006657.3); short protein forms L536*.
Identifiers: ClinVar variation 194395 (VCV000194395.18), dbSNP rs149266909, ClinGen allele CA201162.
Genomic context (GRCh38, chr21:46,137,006, plus strand): 5'-CGAGGGAGGGGCCACAGAGCCCGGAGAGGCCTCCCGCACCGTCACTCCTGCCGGGTCTCC[A>T]AGCAGTCCAGCACCAGTGCAGCCTGGGTCTTGGCTTCCTGCAGGAGGCTGGAAACACGAT-3'